The following is an entry in ClinVar:

NM_001267550.2(TTN):c.4650G>A (p.Val1550=)

Genes: TTN (titin; minus strand), LOC101927055 (uncharacterized LOC101927055; plus strand). Cytogenetic location: 2q31.2.
Variant type: single nucleotide variant.
Coding change: c.4650G>A on transcript NM_001267550.2 (MANE Select); coding-DNA position 4650, G replaced by A.
Protein change: p.Val1550=; no amino-acid change (valine 1550 retained).
Molecular consequence: synonymous variant. On other transcripts: non-coding transcript variant (1).
Genome position (GRCh38, 1-based): chr2:178,777,313, C>T on the plus strand (G>A on the coding strand, the complement: TTN is on the minus strand). VCF-style: chr2-178777313-C-T. GRCh37 (hg19) VCF-style: chr2-179642040-C-T.
Other names: c.4650G>A, p.Val1550= (NM_001256850.1, NM_133378.4, NM_133379.5); c.4512G>A, p.Val1504= (NM_003319.4, NM_133432.3, NM_133437.4).
Identifiers: ClinVar variation 592953 (VCV000592953.11), dbSNP rs915170239, ClinGen allele CA60978278.

ClinVar aggregate classification (germline): Conflicting classifications of pathogenicity. Review status: criteria provided, conflicting classifications (1 of 4 stars). 4 submissions from 4 submitters: Uncertain significance (1); Likely benign (3). Last evaluated 2025-05-14.

Conditions:
TTN-related disorder. Also called: TTN-related condition; TTN-related disease; TTN-related disorders.
Cardiovascular phenotype. Identifiers: MedGen CN230736.

Allele frequency attached by ClinVar (database versions not stated): gnomAD exomes 0.00002 and 0.00001; gnomAD 0.00003 and 0.00002; TOPMed 0.00005.
gnomAD v4.1: 19 of 1,613,652 alleles (0.0012%); highest among the groups gnomAD compares: South Asian, 0.0088%; no homozygotes.

Submissions (4):

PreventionGenetics, part of Exact Sciences
Classification: Likely benign for TTN-related condition. Last evaluated: 2025-05-14. Review status: criteria provided, single submitter. Criteria: ACMG Guidelines, 2015. Collection method: clinical testing. Allele origin: germline.
Comment: This variant is classified as likely benign based on ACMG/AMP sequence variant interpretation guidelines (Richards et al. 2015 PMID: 25741868, with internal and published modifications).

Ambry Genetics
Classification: Likely benign for Cardiovascular phenotype. Last evaluated: 2020-11-15. Review status: criteria provided, single submitter. Criteria: Ambry Variant Classification Scheme 2023. Collection method: clinical testing. Allele origin: germline.

GeneDx
Classification: Likely benign. Last evaluated: 2020-07-16. Review status: criteria provided, single submitter. Criteria: GeneDx Variant Classification Process June 2021. Collection method: clinical testing. Allele origin: germline. Affected: yes.

Eurofins Ntd Llc (ga)
Classification: Uncertain significance. Last evaluated: 2018-03-08. Review status: criteria provided, single submitter. Criteria: EGL ClinVar v180209 classification definitions. Collection method: clinical testing. Allele origin: germline. Observed: 2 variant alleles, 2 heterozygotes.